The following is an entry in ClinVar:

NM_001111067.4(ACVR1):c.1204G>A (p.Val402Ile)

Gene: ACVR1 (activin A receptor type 1; minus strand). Cytogenetic location: 2q24.1.
Variant type: single nucleotide variant.
Coding change: c.1204G>A on transcript NM_001111067.4 (MANE Select); coding-DNA position 1204, G replaced by A.
Protein change: p.Val402Ile; replaces valine 402 with isoleucine.
Molecular consequence: missense variant.
Genome position (GRCh38, 1-based): chr2:157,760,940, C>T on the plus strand (G>A on the coding strand, the complement: ACVR1 is on the minus strand). VCF-style: chr2-157760940-C-T. GRCh37 (hg19) VCF-style: chr2-158617452-C-T.
Other names: c.1204G>A, p.Val402Ile (NM_001105.5, NM_001347663.1, NM_001347664.1 and 3 more transcripts); short protein forms V402I.
Identifiers: ClinVar variation 2421839 (VCV002421839.6), dbSNP rs773531681, ClinGen allele CA59279116.

ClinVar aggregate classification (germline): Uncertain significance (1 of 4 stars; one submission).

gnomAD v4.1: 21 of 1,614,156 alleles (0.0013%); highest among the groups gnomAD compares: Non-Finnish European, 0.0016%; no homozygotes.

Submission:

Labcorp Genetics (formerly Invitae), Labcorp
Classification: Uncertain significance. Last evaluated: 2025-09-10. Review status: criteria provided, single submitter. Criteria: Invitae Variant Classification Sherloc (09022015). Collection method: clinical testing. Allele origin: germline.
Comment: This sequence change replaces valine, which is neutral and non-polar, with isoleucine, which is neutral and non-polar, at codon 402 of the ACVR1 protein (p.Val402Ile). This variant is present in population databases (no rsID available, gnomAD 0.0009%). This variant has not been reported in the literature in individuals affected with ACVR1-related conditions. ClinVar contains an entry for this variant (Variation ID: 2421839). An algorithm developed to predict the effect of missense changes on protein structure and function (PolyPhen-2) suggests that this variant is likely to be disruptive. In summary, the available evidence is currently insufficient to determine the role of this variant in disease. Therefore, it has been classified as a Variant of Uncertain Significance.